The following is an entry in ClinVar:

NM_006767.4(LZTR1):c.1173C>T (p.His391=)

Gene: LZTR1 (leucine zipper like post translational regulator 1; plus strand). Cytogenetic location: 22q11.21.
Variant type: single nucleotide variant.
Coding change: c.1173C>T on transcript NM_006767.4 (MANE Select); coding-DNA position 1173, C replaced by T.
Protein change: p.His391=; no amino-acid change (histidine 391 retained).
Molecular consequence: synonymous variant.
Genome position (GRCh38, 1-based): chr22:20,992,817, C>T. VCF-style: chr22-20992817-C-T. GRCh37 (hg19) VCF-style: chr22-21347106-C-T.
Identifiers: ClinVar variation 1623079 (VCV001623079.28), dbSNP rs761619498, ClinGen allele CA10118754.

ClinVar aggregate classification (germline): Likely benign. Review status: criteria provided, multiple submitters, no conflicts (2 of 4 stars). 6 submissions from 6 submitters: Likely benign (5). 1 of the submissions does not count toward it. Last evaluated 2026-04-14.

Conditions:
Hereditary cancer-predisposing syndrome. Also called: Hereditary Cancer Syndrome; Neoplastic Syndromes, Hereditary; Hereditary neoplastic syndrome; Tumor predisposition. Identifiers: Orphanet 140162, MedGen C0027672, MeSH D009386, MONDO:0015356.
Cardiovascular phenotype. Identifiers: MedGen CN230736.
LZTR1-related disorder. Also called: LZTR1-related disorders; LZTR1-related condition.

Allele frequency attached by ClinVar (database versions not stated): gnomAD 0.00001; TOPMed 0.00001; ExAC 0.00002; gnomAD exomes 0.00002 and 0.00004.

Submissions (6):

Ambry Genetics
Classification: Likely benign for Cardiovascular phenotype; Hereditary cancer-predisposing syndrome. Last evaluated: 2026-04-14. Review status: criteria provided, single submitter. Criteria: Ambry Variant Classification Scheme 2023. Collection method: clinical testing. Allele origin: germline.

Labcorp Genetics (formerly Invitae), Labcorp
Classification: Likely benign. Last evaluated: 2026-01-25. Review status: criteria provided, single submitter. Criteria: Invitae Variant Classification Sherloc (09022015). Collection method: clinical testing. Allele origin: germline.

CeGaT Center for Human Genetics Tuebingen
Classification: Likely benign. Last evaluated: 2025-05-01. Review status: criteria provided, single submitter. Criteria: CeGaT Center For Human Genetics Tuebingen Variant Classification Criteria Version 2. Collection method: clinical testing. Allele origin: germline. Affected: yes. Observed: 3 variant alleles.
Comment: LZTR1: BP4, BP7

Blueprint Genetics
Classification: Likely benign. Last evaluated: 2024-07-25. Review status: criteria provided, single submitter. Criteria: ACMG Guidelines, 2015. Collection method: clinical testing. Allele origin: germline.

Women's Health and Genetics/Laboratory Corporation of America, LabCorp
Classification: Likely benign. Last evaluated: 2023-12-17. Review status: criteria provided, single submitter. Criteria: LabCorp Variant Classification Summary - May 2015. Collection method: clinical testing. Allele origin: germline.

PreventionGenetics, part of Exact Sciences
Classification: Likely benign for LZTR1-related condition. Last evaluated: 2020-10-20. Review status: no assertion criteria provided. Collection method: clinical testing. Allele origin: germline. Not counted in ClinVar's aggregate classification.
Comment: This variant is classified as likely benign based on ACMG/AMP sequence variant interpretation guidelines (Richards et al. 2015 PMID: 25741868, with internal and published modifications).